The following is an entry in ClinVar:

ClinVar aggregate classification (germline): Uncertain significance (1 of 4 stars; one submission).

Conditions:
Microcephaly-intellectual disability-sensorineural hearing loss-epilepsy-abnormal muscle tone syndrome (NEDHSB). Also called: NEURODEVELOPMENTAL DISORDER WITH HEARING LOSS, SEIZURES, AND BRAIN ABNORMALITIES. Identifiers: Orphanet 457351, MedGen C4225276, MONDO:0014698, OMIM 616577.

Allele frequency attached by ClinVar (database versions not stated): gnomAD exomes below 0.00001.
gnomAD v4.1: 1 of 1,603,970 alleles (0.000062%); highest among the groups gnomAD compares: Non-Finnish European, 0.000085%; no homozygotes.

Submission:

Labcorp Genetics (formerly Invitae), Labcorp
Classification: Uncertain significance for Microcephaly-intellectual disability-sensorineural hearing loss-epilepsy-abnormal muscle tone syndrome. Last evaluated: 2019-12-27. Review status: criteria provided, single submitter. Criteria: Invitae Variant Classification Sherloc (09022015). Collection method: clinical testing. Allele origin: germline.
Comment: This sequence change falls in intron 1 of the SPATA5 gene. It does not directly change the encoded amino acid sequence of the SPATA5 protein, but it affects a nucleotide within the consensus splice site of the intron. This variant is not present in population databases (ExAC no frequency). This variant has not been reported in the literature in individuals with SPATA5-related conditions. Nucleotide substitutions within the consensus splice site are a relatively common cause of aberrant splicing (PMID: 17576681, 9536098). Algorithms developed to predict the effect of sequence changes on RNA splicing suggest that this variant is not likely to affect RNA splicing, but this prediction has not been confirmed by published transcriptional studies. In summary, the available evidence is currently insufficient to determine the role of this variant in disease. Therefore, it has been classified as a Variant of Uncertain Significance.

Literature cited by the submitters: PubMed 17576681; PubMed 9536098.

NM_145207.3(AFG2A):c.164-3T>C

Gene: AFG2A (AFG2 AAA ATPase homolog A; plus strand). Cytogenetic location: 4q28.1.
Variant type: single nucleotide variant.
Coding change: c.164-3T>C on transcript NM_145207.3 (MANE Select); 3 bases into the intron before coding-DNA position 164, T replaced by C.
Molecular consequence: intron variant.
Genome position (GRCh38, 1-based): chr4:122,927,631, T>C. VCF-style: chr4-122927631-T-C. GRCh37 (hg19) VCF-style: chr4-123848786-T-C.
Other names: c.164-6T>C (NM_001345856.2, NM_001317799.2).
Identifiers: ClinVar variation 850872 (VCV000850872.2), dbSNP rs1728488152, ClinGen allele CA916082658.